The following is an entry in ClinVar:

NM_001754.5(RUNX1):c.1016T>G (p.Leu339Arg)

Gene: RUNX1 (RUNX family transcription factor 1; minus strand). Cytogenetic location: 21q22.12.
Variant type: single nucleotide variant.
Coding change: c.1016T>G on transcript NM_001754.5 (MANE Select); coding-DNA position 1016, T replaced by G.
Protein change: p.Leu339Arg; replaces leucine 339 with arginine.
Molecular consequence: missense variant.
Genome position (GRCh38, 1-based): chr21:34,792,562, A>C on the plus strand (T>G on the coding strand, the complement: RUNX1 is on the minus strand). VCF-style: chr21-34792562-A-C. GRCh37 (hg19) VCF-style: chr21-36164859-A-C.
Other names: NM_001754.5(RUNX1):c.1016T>G; p.Leu339Arg; c.935T>G, p.Leu312Arg (NM_001001890.3); short protein forms L312R, L339R.
Identifiers: ClinVar variation 1718102 (VCV001718102.6), dbSNP rs1197877669, ClinGen allele CA410148583.
Genomic context (GRCh38, chr21:34,792,562, plus strand): 5'-GGCGTCGGGGAGTAGGTGAAGGCGCCTGGATAGTGCATGCGGGGGTCGGAGATGGAGGGC[A>C]GCGCGGGGAACTGGCGCGGGTCGCTGAACGCTGTCAGGTCGGGTGCCGCTGCAGGGCGGG-3'
Protein context (NP_001745.2, residues 329-349): AFSDPRQFPA[Leu339Arg]PSISDPRMHY

ClinVar aggregate classification (germline): Uncertain significance. Review status: reviewed by expert panel (3 of 4 stars). 2 submissions from 2 submitters: Uncertain significance (1). 1 of the submissions does not count toward it. Last evaluated 2024-08-01.

Conditions:
Hereditary thrombocytopenia and hematological cancer predisposition syndrome associated with RUNX1. Also called: PLATELET DISORDER, ASPIRIN-LIKE; RUNX1 Familial Platelet Disorder with Associated Myeloid Malignancies; Familial Platelet Disorder with Propensity to Acute Myelogenous Leukemia; Familial thrombocytopenia with propensity to acute myelogenous leukemia. Identifiers: Orphanet 71290, MedGen C1832388, MeSH C563324, MONDO:0100083, OMIM 601399.
Hereditary thrombocytopenia and hematologic cancer predisposition syndrome. Identifiers: Orphanet 71290, MedGen CN281654, MONDO:0011071.

Submissions (2):

ClinGen Myeloid Malignancy Variant Curation Expert Panel
Classification: Uncertain significance for Hereditary thrombocytopenia and hematologic cancer predisposition syndrome. Last evaluated: 2024-08-01. Review status: reviewed by expert panel. Criteria: ClinGen MyeloMalig ACMG Specifications v2. Collection method: curation. Allele origin: germline. Inheritance: Autosomal dominant inheritance.
Comment: NM_001754.5(RUNX1):c.1016T>G (p.Leu339Arg) is a missense variant which is absent in gnomAD v2.1.1 and v3.1.2 (PM2_supporting). The REVEL score is 0.311 (<0.50), indicating that the variant is likely to be tolerated, and the SpliceAI score is 0 (<0.20), meaning that the variant is highly unlikely to impact splicing (BP4). In summary, the clinical significance of this variant is uncertain. ACMG/AMP criteria applied, as specified by the Myeloid Malignancy Variant Curation Expert Panel for RUNX1: BP4, PM2_supporting.

Labcorp Genetics (formerly Invitae), Labcorp
Classification: Uncertain significance for Hereditary thrombocytopenia and hematological cancer predisposition syndrome associated with RUNX1. Last evaluated: 2022-08-27. Review status: criteria provided, single submitter. Criteria: Invitae Variant Classification Sherloc (09022015). Collection method: clinical testing. Allele origin: germline. Not counted in ClinVar's aggregate classification.
Comment: In summary, the available evidence is currently insufficient to determine the role of this variant in disease. Therefore, it has been classified as a Variant of Uncertain Significance. Algorithms developed to predict the effect of missense changes on protein structure and function are either unavailable or do not agree on the potential impact of this missense change (SIFT: "Deleterious"; PolyPhen-2: "Benign"; Align-GVGD: "Class C0"). This variant has not been reported in the literature in individuals affected with RUNX1-related conditions. This variant is not present in population databases (gnomAD no frequency). This sequence change replaces leucine, which is neutral and non-polar, with arginine, which is basic and polar, at codon 339 of the RUNX1 protein (p.Leu339Arg).